The following is an entry in ClinVar:

ClinVar aggregate classification (germline): Uncertain significance (0 of 4 stars; one submission).

Conditions:
CEP290-related disorder. Also called: CEP290-related condition; CEP290-related disorders. Identifiers: MedGen CN239314.

Submission:

PreventionGenetics, part of Exact Sciences
Classification: Uncertain significance for CEP290-related condition. Last evaluated: 2024-05-02. Review status: no assertion criteria provided. Collection method: clinical testing. Allele origin: germline.
Comment: The CEP290 c.2765_2767delTGT variant is predicted to result in an in-frame deletion (p.Leu922del). To our knowledge, this variant has not been reported in the literature or in gnomAD, indicating this variant is rare. At this time, the clinical significance of this variant is uncertain due to the absence of conclusive functional and genetic evidence.

NM_025114.4(CEP290):c.2762TGT[1] (p.Leu922del)

Gene: CEP290 (centrosomal protein 290; minus strand). Cytogenetic location: 12q21.32.
Variant type: Microsatellite.
Coding change: c.2762TGT[1] on transcript NM_025114.4 (MANE Select); one copy of the 3-base unit TGT starting at c.2762; the reference has two copies in a row; one copy, 3 bases deleted.
Protein change: p.Leu922del; deletes leucine 922.
Molecular consequence: inframe deletion.
Genome position (GRCh38, 1-based): chr12:88,106,725-88,106,727, ACA deleted on the plus strand (TGT on the coding strand, the reverse complement: CEP290 is on the minus strand); deleting any 3 consecutive bases within chr12:88,106,725-88,106,731 gives the same sequence; the position shown is the placement nearest the transcript's 3' end. VCF-style (leftmost placement, unchanged base first): chr12-88106724-GACA-G. GRCh37 (hg19) VCF-style: chr12-88500501-GACA-G.
Other names: short protein forms L922del.
Identifiers: ClinVar variation 3358238 (VCV003358238.1).